The following is an entry in ClinVar:

NM_182931.3(KMT2E):c.1442T>C (p.Ile481Thr)

Gene: KMT2E (lysine methyltransferase 2E (inactive); plus strand). Cytogenetic location: 7q22.3.
Variant type: single nucleotide variant.
Coding change: c.1442T>C on transcript NM_182931.3 (MANE Select); coding-DNA position 1442, T replaced by C.
Protein change: p.Ile481Thr; replaces isoleucine 481 with threonine.
Molecular consequence: missense variant.
Genome position (GRCh38, 1-based): chr7:105,090,092, T>C. VCF-style: chr7-105090092-T-C. GRCh37 (hg19) VCF-style: chr7-104730539-T-C.
Other names: c.1442T>C, p.Ile481Thr (NM_001410908.1, NM_018682.4); short protein forms I481T.
Identifiers: ClinVar variation 3345024 (VCV003345024.3).

ClinVar aggregate classification (germline): Uncertain significance. Review status: criteria provided, single submitter (1 of 4 stars). 2 submissions from 2 submitters: Uncertain significance (1). 1 of the submissions does not count toward it. Last evaluated 2025-01-13.

Conditions:
KMT2E-related disorder. Also called: KMT2E-related condition.

Submissions (2):

Women's Health and Genetics/Laboratory Corporation of America, LabCorp
Classification: Uncertain significance. Last evaluated: 2025-01-13. Review status: criteria provided, single submitter. Criteria: LabCorp Variant Classification Summary - May 2015. Collection method: clinical testing. Allele origin: germline.
Comment: Variant summary: KMT2E c.1442T>C (p.Ile481Thr) results in a non-conservative amino acid change in the encoded protein sequence. Five of five in-silico tools predict a damaging effect of the variant on protein function. The variant was absent in 250168 control chromosomes. The available data on variant occurrences in the general population are insufficient to allow any conclusion about variant significance. To our knowledge, no occurrence of c.1442T>C in individuals affected with O'Donnell-Luria-Rodan Syndrome and no experimental evidence demonstrating its impact on protein function have been reported. ClinVar contains an entry for this variant (Variation ID: 3345024). Based on the evidence outlined above, the variant was classified as uncertain significance.

PreventionGenetics, part of Exact Sciences
Classification: Uncertain significance for KMT2E-related condition. Last evaluated: 2024-05-10. Review status: no assertion criteria provided. Collection method: clinical testing. Allele origin: germline. Not counted in ClinVar's aggregate classification.
Comment: The KMT2E c.1442T>C variant is predicted to result in the amino acid substitution p.Ile481Thr. To our knowledge, this variant has not been reported in the literature or in a large population database, indicating this variant is rare. At this time, the clinical significance of this variant is uncertain due to the absence of conclusive functional and genetic evidence.